The following is an entry in ClinVar:

ClinVar aggregate classification (germline): Likely pathogenic (1 of 4 stars; one submission).

Conditions:
Hyperkalemic periodic paralysis. Also called: Gamstorp disease; Familial hyperkalemic periodic paralysis. Identifiers: Orphanet 682, MedGen C0238357, MONDO:0008224, OMIM 170500, HP:0007215.

Allele frequency attached by ClinVar (database versions not stated): TOPMed 0.00002.
gnomAD v4.1: 3 of 1,613,226 alleles (0.00019%); highest among the groups gnomAD compares: African/African-American, 0.0013%; no homozygotes.

Submission:

Labcorp Genetics (formerly Invitae), Labcorp
Classification: Likely pathogenic for Hyperkalemic periodic paralysis. Last evaluated: 2023-08-10. Review status: criteria provided, single submitter. Criteria: Invitae Variant Classification Sherloc (09022015). Collection method: clinical testing. Allele origin: germline.
Comment: This sequence change replaces arginine, which is basic and polar, with leucine, which is neutral and non-polar, at codon 1463 of the SCN4A protein (p.Arg1463Leu). This variant is not present in population databases (gnomAD no frequency). This variant has not been reported in the literature in individuals affected with SCN4A-related conditions. In summary, the currently available evidence indicates that the variant is pathogenic, but additional data are needed to prove that conclusively. Therefore, this variant has been classified as Likely Pathogenic. This variant disrupts the p.Arg1463 amino acid residue in SCN4A. Other variant(s) that disrupt this residue have been determined to be pathogenic (PMID: 29606556, 33670307; Invitae). This suggests that this residue is clinically significant, and that variants that disrupt this residue are likely to be disease-causing. Advanced modeling of protein sequence and biophysical properties (such as structural, functional, and spatial information, amino acid conservation, physicochemical variation, residue mobility, and thermodynamic stability) performed at Invitae indicates that this missense variant is expected to disrupt SCN4A protein function. ClinVar contains an entry for this variant (Variation ID: 571221).

Literature cited by the submitters: PubMed 29606556; PubMed 33670307.

NM_000334.4(SCN4A):c.4388G>T (p.Arg1463Leu)

Genes: GH-LCR (growth hormone locus control region; plus strand), SCN4A (sodium voltage-gated channel alpha subunit 4; minus strand). Cytogenetic location: 17q23.3.
Variant type: single nucleotide variant.
Coding change: c.4388G>T on transcript NM_000334.4 (MANE Select); coding-DNA position 4388, G replaced by T.
Protein change: p.Arg1463Leu; replaces arginine 1463 with leucine.
Molecular consequence: missense variant.
Genome position (GRCh38, 1-based): chr17:63,941,894, C>A on the plus strand (G>T on the coding strand, the complement: SCN4A is on the minus strand). VCF-style: chr17-63941894-C-A. GRCh37 (hg19) VCF-style: chr17-62019254-C-A.
Other names: short protein forms R1463L.
Identifiers: ClinVar variation 571221 (VCV000571221.9), dbSNP rs771340029, ClinGen allele CA292957285.